The following is an entry in ClinVar:

NM_004360.5(CDH1):c.1899G>T (p.Gly633=)

Gene: CDH1 (cadherin 1; plus strand). Cytogenetic location: 16q22.1.
Variant type: single nucleotide variant.
Coding change: c.1899G>T on transcript NM_004360.5 (MANE Select); coding-DNA position 1899, G replaced by T.
Protein change: p.Gly633=; no amino-acid change (glycine 633 retained).
Molecular consequence: synonymous variant. On other transcripts: 5 prime UTR variant (1).
Genome position (GRCh38, 1-based): chr16:68,822,188, G>T. VCF-style: chr16-68822188-G-T. GRCh37 (hg19) VCF-style: chr16-68856091-G-T.
Other names: NC_000016.9:g.68856091G>T; c.1716G>T, p.Gly572= (NM_001317184.2); c.351G>T, p.Gly117= (NM_001317185.2); c.-67G>T (NM_001317186.2).
Identifiers: ClinVar variation 2775041 (VCV002775041.4), dbSNP rs1961169875, ClinGen allele CA496392962.

ClinVar aggregate classification (germline): Conflicting classifications of pathogenicity. Review status: criteria provided, conflicting classifications (1 of 4 stars). 2 submissions from 2 submitters: Uncertain significance (1); Benign (1). Last evaluated 2024-09-20.

Conditions:
Hereditary cancer-predisposing syndrome. Also called: Hereditary Cancer Syndrome; Hereditary neoplastic syndrome; Tumor predisposition; Neoplastic Syndromes, Hereditary. Identifiers: Orphanet 140162, MedGen C0027672, MeSH D009386, MONDO:0015356.
Hereditary diffuse gastric adenocarcinoma (HDGC). Also called: DIFFUSE GASTRIC AND LOBULAR BREAST CANCER SYNDROME. Identifiers: Orphanet 26106, MedGen C1708349, MONDO:0007648, OMIM 137215.

Submissions (3):

Myriad Genetics, Inc.
Classification: Benign for Hereditary diffuse gastric adenocarcinoma. Last evaluated: 2024-09-20. Review status: criteria provided, single submitter. Criteria: Myriad Autosomal Dominant, Autosomal Recessive and X-Linked Classification Criteria (2023). Collection method: clinical testing. Allele origin: unknown.
Comment: This variant is considered benign. This variant is a silent/synonymous amino acid change and it is not expected to impact splicing.

Color Diagnostics, LLC DBA Color Health
Classification: Uncertain significance for Hereditary cancer-predisposing syndrome. Last evaluated: 2023-08-03. Review status: criteria provided, single submitter. Criteria: ACMG Guidelines, 2015. Collection method: clinical testing. Allele origin: germline.
Comment: This variant is located in the CDH1 protein. To our knowledge, functional studies have not been reported for this variant. This variant has not been reported in individuals affected with CDH1-related disorders in the literature. This variant has not been identified in the general population by the Genome Aggregation Database (gnomAD). The available evidence is insufficient to determine the role of this variant in disease conclusively. Therefore, this variant is classified as a Variant of Uncertain Significance.

Dr. Peter K. Rogan Lab, Western University
No classification provided (evidence only). Condition: Ovarian serous cystadenocarcinoma. Review status: no classification provided. Collection method: in vitro. Allele origin: not applicable. Functional consequence: retained intron. Not counted in ClinVar's aggregate classification.